The following is an entry in ClinVar:

NM_001382391.1(CSPP1):c.3145G>A (p.Glu1049Lys)

Genes: ARFGEF1 (ARF guanine nucleotide exchange factor 1; minus strand), CSPP1 (centrosome and spindle pole associated protein 1; plus strand). Cytogenetic location: 8q13.2.
Variant type: single nucleotide variant.
Coding change: c.3145G>A on transcript NM_001382391.1 (MANE Select); coding-DNA position 3145, G replaced by A.
Protein change: p.Glu1049Lys; replaces glutamic acid 1049 with lysine.
Molecular consequence: missense variant. On other transcripts: intron variant (2).
Genome position (GRCh38, 1-based): chr8:67,177,715, G>A. VCF-style: chr8-67177715-G-A. GRCh37 (hg19) VCF-style: chr8-68089950-G-A.
Other names: c.2095G>A, p.Glu699Lys (NM_001291339.2); c.3064G>A, p.Glu1022Lys (NM_001363131.2); c.2950G>A, p.Glu984Lys (NM_001363132.2); c.2869G>A, p.Glu957Lys (NM_001363133.2); c.3211G>A, p.Glu1071Lys (NM_001364869.1); c.3031G>A, p.Glu1011Lys (NM_001364870.1); c.2977G>A, p.Glu993Lys (NM_001438330.1); c.3130G>A, p.Glu1044Lys (NM_001438331.1, NM_024790.7); and 3 more; short protein forms E1011K, E1022K, E1044K, E1049K, E1071K, E699K, E957K, E984K.
Identifiers: ClinVar variation 3342314 (VCV003342314.1).

ClinVar aggregate classification (germline): Uncertain significance (1 of 4 stars; one submission).

Submission:

GeneDx
Classification: Uncertain significance. Last evaluated: 2023-10-02. Review status: criteria provided, single submitter. Criteria: GeneDx Variant Classification Process June 2021. Collection method: clinical testing. Allele origin: germline. Affected: yes.
Comment: De novo variant with confirmed parentage in a patient with neurodevelopmental disorder; however, detailed clinical information was not provided, a second CSPP1 variant was not found, and they reported additional de novo variants in other potentially causative genes (PMID: 31785789); Not observed at significant frequency in large population cohorts (gnomAD); In silico analysis supports that this missense variant does not alter protein structure/function; This variant is associated with the following publications: (PMID: 31785789)